The following is an entry in ClinVar:

ClinVar aggregate classification (germline): Conflicting classifications of pathogenicity. Review status: criteria provided, conflicting classifications (1 of 4 stars). 5 submissions from 5 submitters: Likely pathogenic (3); Uncertain significance (2). Last evaluated 2025-11-07.

Conditions:
Dyskeratosis congenita, autosomal dominant 2. Identifiers: MedGen C3151443, MONDO:0013521, OMIM 613989.
Idiopathic Pulmonary Fibrosis. Also called: Idiopathic fibrosing alveolitis, chronic form; idiopathic fibrosing alveolitis. Identifiers: Orphanet 2032, MedGen C1800706, MeSH D054990, MONDO:0800504.
TERT-related disorder. Also called: TERT-related condition; TERT-related disorders.

Allele frequency attached by ClinVar (database versions not stated): TOPMed below 0.00001.
gnomAD v4.1: 8 of 1,612,868 alleles (0.0005%); highest among the groups gnomAD compares: African/African-American, 0.0013%; no homozygotes.

Submissions (5):

Mayo Clinic Laboratories, Mayo Clinic
Classification: Uncertain significance. Last evaluated: 2025-11-07. Review status: criteria provided, single submitter. Criteria: ACMG Guidelines, 2015. Collection method: clinical testing. Allele origin: germline. Observed: 1 variant allele.
Comment: PP2, PM2_supporting, PS3_supporting

Labcorp Genetics (formerly Invitae), Labcorp
Classification: Likely pathogenic for Dyskeratosis congenita, autosomal dominant 2; Idiopathic Pulmonary Fibrosis. Last evaluated: 2025-08-20. Review status: criteria provided, single submitter. Criteria: Invitae Variant Classification Sherloc (09022015). Collection method: clinical testing. Allele origin: germline.
Comment: This sequence change replaces valine, which is neutral and non-polar, with methionine, which is neutral and non-polar, at codon 777 of the TERT protein (p.Val777Met). This variant is not present in population databases (gnomAD no frequency). This missense change has been observed in individuals with TERT-related conditions (PMID: 30426156; internal data). ClinVar contains an entry for this variant (Variation ID: 436985). Invitae Evidence Modeling of protein sequence and biophysical properties (such as structural, functional, and spatial information, amino acid conservation, physicochemical variation, residue mobility, and thermodynamic stability) indicates that this missense variant is expected to disrupt TERT protein function with a positive predictive value of 95%. Experimental studies have shown that this missense change affects TERT function (PMID: 34019641). In summary, the currently available evidence indicates that the variant is pathogenic, but additional data are needed to prove that conclusively. Therefore, this variant has been classified as Likely Pathogenic.

PreventionGenetics, part of Exact Sciences
Classification: Uncertain significance for TERT-related condition. Last evaluated: 2025-08-19. Review status: criteria provided, single submitter. Criteria: ACMG Guidelines, 2015. Collection method: clinical testing. Allele origin: germline.
Comment: The TERT c.2329G>A variant is predicted to result in the amino acid substitution p.Val777Met. This variant has been previously observed in a cohort of patients with aplastic anemia (Akram et al 2018. PubMed ID: 30426156), and a cohort of patients with myelodysplastic syndrome (MDS) without a known telomere biology disorder (Reilly et al. 2021. PubMed ID: 34019641). This variant has not been reported in a large population database (gnomAD), indicating this variant is rare. Although we suspect that this variant may be pathogenic, at this time, the clinical significance of this variant is uncertain due to the absence of conclusive functional and genetic evidence.

Genetic Services Laboratory, University of Chicago
Classification: Likely pathogenic. Last evaluated: 2019-10-18. Review status: criteria provided, single submitter. Criteria: ACMG Guidelines, 2015. Collection method: clinical testing. Allele origin: germline. Affected: yes.

Dept. of Cytogenetics, ICMR- National Institute of Immunohaematology
Classification: Likely pathogenic for Dyskeratosis congenita, autosomal dominant 2. Review status: criteria provided, single submitter. Criteria: ACMG Guidelines, 2015. Collection method: clinical testing. Allele origin: inherited. Affected: yes. Observed: 1 variant allele.

Literature cited by the submitters: PubMed 26024875 (cited by Mayo Clinic Laboratories, Mayo Clinic); PubMed 29141224 (cited by Mayo Clinic Laboratories, Mayo Clinic); PubMed 29891356 (cited by Mayo Clinic Laboratories, Mayo Clinic); PubMed 30426156 (cited by Mayo Clinic Laboratories, Mayo Clinic and Labcorp Genetics (formerly Invitae), Labcorp); PubMed 30523342 (cited by Mayo Clinic Laboratories, Mayo Clinic); PubMed 34019641 (cited by Mayo Clinic Laboratories, Mayo Clinic and Labcorp Genetics (formerly Invitae), Labcorp); PubMed 38641551 (cited by Mayo Clinic Laboratories, Mayo Clinic).

NM_198253.3(TERT):c.2329G>A (p.Val777Met)

Gene: TERT (telomerase reverse transcriptase; minus strand). Cytogenetic location: 5p15.33.
Variant type: single nucleotide variant.
Coding change: c.2329G>A on transcript NM_198253.3 (MANE Select); coding-DNA position 2329, G replaced by A.
Protein change: p.Val777Met; replaces valine 777 with methionine.
Molecular consequence: missense variant.
Genome position (GRCh38, 1-based): chr5:1,272,238, C>T on the plus strand (G>A on the coding strand, the complement: TERT is on the minus strand). VCF-style: chr5-1272238-C-T. GRCh37 (hg19) VCF-style: chr5-1272353-C-T.
Other names: p.Val777Met; c.2329G>A, p.Val777Met (NM_001193376.3); short protein forms V777M.
Identifiers: ClinVar variation 436985 (VCV000436985.15), dbSNP rs1554040129, ClinGen allele CA359076368.
Genomic context (GRCh38, chr5:1,272,238, plus strand): 5'-CCCAGACCTGCTCGATGACGACGGCATCCCTCAGCGGGCTGGTCTCCTGCAGGTGAGCCA[C>T]GAACTGTCGCATGTACGGCTGGAGGTCTGTCAAGGTAGAGACCTGCCGGCAGAGGAGAGG-3'
Protein context (NP_937983.2, residues 767-787): TDLQPYMRQF[Val777Met]AHLQETSPLR